The following is an entry in ClinVar:

NM_001012339.3(DNAJC21):c.238G>A (p.Glu80Lys)

Gene: DNAJC21 (DnaJ heat shock protein family (Hsp40) member C21; plus strand). Cytogenetic location: 5p13.2.
Variant type: single nucleotide variant.
Coding change: c.238G>A on transcript NM_001012339.3 (MANE Select); coding-DNA position 238, G replaced by A.
Protein change: p.Glu80Lys; replaces glutamic acid 80 with lysine.
Molecular consequence: missense variant.
Genome position (GRCh38, 1-based): chr5:34,935,756, G>A. VCF-style: chr5-34935756-G-A. GRCh37 (hg19) VCF-style: chr5-34935861-G-A.
Other names: c.238G>A, p.Glu80Lys (NM_001348420.2, NM_194283.4); short protein forms E80K.
Identifiers: ClinVar variation 1390681 (VCV001390681.6), dbSNP rs770403334, ClinGen allele CA3228380.
Genomic context (GRCh38, chr5:34,935,756, plus strand): 5'-TTTTTGTTTTTCAGGTATGATAATCATAGAGAGGCCCTACTTAAAGGTGGGTTTGATGGC[G>A]AATATCAAGATGACAGCTTAGATTTGCTACGCTATTTCACCGTTACCTGTTATTCTGGTT-3'
Protein context (NP_001012339.2, residues 70-90): EALLKGGFDG[Glu80Lys]YQDDSLDLLR

ClinVar aggregate classification (germline): Uncertain significance (1 of 4 stars; one submission).

Allele frequency attached by ClinVar (database versions not stated): gnomAD 0.00001; ExAC 0.00002.

Submission:

Labcorp Genetics (formerly Invitae), Labcorp
Classification: Uncertain significance. Last evaluated: 2024-12-04. Review status: criteria provided, single submitter. Criteria: Invitae Variant Classification Sherloc (09022015). Collection method: clinical testing. Allele origin: germline.
Comment: This sequence change replaces glutamic acid, which is acidic and polar, with lysine, which is basic and polar, at codon 80 of the DNAJC21 protein (p.Glu80Lys). This variant is present in population databases (rs770403334, gnomAD 0.004%). This variant has not been reported in the literature in individuals affected with DNAJC21-related conditions. ClinVar contains an entry for this variant (Variation ID: 1390681). An algorithm developed to predict the effect of missense changes on protein structure and function (PolyPhen-2) suggests that this variant is likely to be disruptive. In summary, the available evidence is currently insufficient to determine the role of this variant in disease. Therefore, it has been classified as a Variant of Uncertain Significance.